The following is an entry in ClinVar:

NM_054027.6(ANKH):c.155A>G (p.Tyr52Cys)

Gene: ANKH (ANKH inorganic pyrophosphate transport regulator; minus strand). Cytogenetic location: 5p15.2.
Variant type: single nucleotide variant.
Coding change: c.155A>G on transcript NM_054027.6 (MANE Select); coding-DNA position 155, A replaced by G.
Protein change: p.Tyr52Cys; replaces tyrosine 52 with cysteine.
Molecular consequence: missense variant.
Genome position (GRCh38, 1-based): chr5:14,769,133, T>C on the plus strand (A>G on the coding strand, the complement: ANKH is on the minus strand). VCF-style: chr5-14769133-T-C. GRCh37 (hg19) VCF-style: chr5-14769242-T-C.
Other names: short protein forms Y52C.
Identifiers: ClinVar variation 809740 (VCV000809740.42), dbSNP rs1580053694, ClinGen allele CA359253765.

ClinVar aggregate classification (germline): Uncertain significance (1 of 4 stars; one submission).

Submission:

CeGaT Center for Human Genetics Tuebingen
Classification: Uncertain significance. Last evaluated: 2022-04-01. Review status: criteria provided, single submitter. Criteria: CeGaT Center For Human Genetics Tuebingen Variant Classification Criteria Version 2. Collection method: clinical testing. Allele origin: germline. Affected: yes. Observed: 2 variant alleles.
Comment: ANKH: PM2, PP3